The following is an entry in ClinVar:

NM_001130438.3(SPTAN1):c.7348A>C (p.Met2450Leu)

Gene: SPTAN1 (spectrin alpha, non-erythrocytic 1; plus strand). Cytogenetic location: 9q34.11.
Variant type: single nucleotide variant.
Coding change: c.7348A>C on transcript NM_001130438.3 (MANE Select); coding-DNA position 7348, A replaced by C.
Protein change: p.Met2450Leu; replaces methionine 2450 with leucine.
Molecular consequence: missense variant.
Genome position (GRCh38, 1-based): chr9:128,633,248, A>C. VCF-style: chr9-128633248-A-C. GRCh37 (hg19) VCF-style: chr9-131395527-A-C.
Other names: c.7273A>C, p.Met2425Leu (NM_001195532.2); c.7411A>C, p.Met2471Leu (NM_001363759.2); c.7288A>C, p.Met2430Leu (NM_001363765.2, NM_001375314.2); c.7435A>C, p.Met2479Leu (NM_001375310.1); c.7348A>C, p.Met2450Leu (NM_001375311.2); c.7384A>C, p.Met2462Leu (NM_001375312.2, NM_001438440.1); c.7330A>C, p.Met2444Leu (NM_001375313.1); c.7447A>C, p.Met2483Leu (NM_001375318.1); and 6 more; short protein forms M2419L, M2424L, M2425L, M2430L, M2439L, M2444L, M2445L, M2446L.
Identifiers: ClinVar variation 4885092 (VCV004885092.2).

ClinVar aggregate classification (germline): Uncertain significance (1 of 4 stars; one submission).

Submission:

Dasa
Classification: Uncertain significance. Last evaluated: 2025-06-14. Review status: criteria provided, single submitter. Criteria: DASA Assertion Criteria. Collection method: clinical testing. Allele origin: germline.
Comment: NM_001130438.3(SPTAN1):c.7348A>C (p.Met2450Leu) is a missense variant that results in the substitution of methionine with leucine. This variant is absent from population databases. The currently available literature and clinical evidence are not sufficient to establish a definitive association between this variant and the reported condition. Therefore, this variant is classified as a variant of uncertain significance.